The following is an entry in ClinVar:

ClinVar aggregate classification (germline): Uncertain significance. Review status: criteria provided, multiple submitters, no conflicts (2 of 4 stars). 2 submissions from 2 submitters: Uncertain significance (2). Last evaluated 2023-07-21.

Conditions:
Hereditary cancer-predisposing syndrome. Also called: Hereditary neoplastic syndrome; Tumor predisposition; Neoplastic Syndromes, Hereditary; Hereditary Cancer Syndrome. Identifiers: Orphanet 140162, MedGen C0027672, MeSH D009386, MONDO:0015356.

Submissions (2):

Ambry Genetics
Classification: Uncertain significance for Hereditary cancer-predisposing syndrome. Last evaluated: 2023-07-21. Review status: criteria provided, single submitter. Criteria: Ambry Variant Classification Scheme 2023. Collection method: clinical testing. Allele origin: germline.
Comment: The p.R1152L variant (also known as c.3455G>T), located in coding exon 22 of the RAD50 gene, results from a G to T substitution at nucleotide position 3455. The arginine at codon 1152 is replaced by leucine, an amino acid with dissimilar properties. This amino acid position is highly conserved in available vertebrate species. In addition, this alteration is predicted to be deleterious by in silico analysis. Since supporting evidence is limited at this time, the clinical significance of this alteration remains unclear.

Labcorp Genetics (formerly Invitae), Labcorp
Classification: Uncertain significance for Hereditary cancer-predisposing syndrome. Last evaluated: 2022-06-20. Review status: criteria provided, single submitter. Criteria: Invitae Variant Classification Sherloc (09022015). Collection method: clinical testing. Allele origin: germline.
Comment: In summary, the available evidence is currently insufficient to determine the role of this variant in disease. Therefore, it has been classified as a Variant of Uncertain Significance. Algorithms developed to predict the effect of missense changes on protein structure and function are either unavailable or do not agree on the potential impact of this missense change (SIFT: "Deleterious"; PolyPhen-2: "Possibly Damaging"; Align-GVGD: "Class C0"). This variant has not been reported in the literature in individuals affected with RAD50-related conditions. This variant is not present in population databases (gnomAD no frequency). This sequence change replaces arginine, which is basic and polar, with leucine, which is neutral and non-polar, at codon 1152 of the RAD50 protein (p.Arg1152Leu).

NM_005732.4(RAD50):c.3455G>T (p.Arg1152Leu)

Genes: RAD50 (RAD50 double strand break repair protein; plus strand), TH2-LCR (Th2 cytokine locus control region; plus strand), TH2LCRR (T helper type 2 locus control region associated RNA; minus strand). Cytogenetic location: 5q31.1.
Variant type: single nucleotide variant.
Coding change: c.3455G>T on transcript NM_005732.4 (MANE Select); coding-DNA position 3455, G replaced by T.
Protein change: p.Arg1152Leu; replaces arginine 1152 with leucine.
Molecular consequence: missense variant.
Genome position (GRCh38, 1-based): chr5:132,637,180, G>T. VCF-style: chr5-132637180-G-T. GRCh37 (hg19) VCF-style: chr5-131972872-G-T.
Other names: c.3455G>T (NM_005732.3); short protein forms R1152L.
Identifiers: ClinVar variation 1502286 (VCV001502286.8), dbSNP rs144253015, ClinGen allele CA360930391.